The following is an entry in ClinVar:

NM_001927.4(DES):c.1354G>A (p.Glu452Lys)

Gene: DES (desmin; plus strand). Cytogenetic location: 2q35.
Variant type: single nucleotide variant.
Coding change: c.1354G>A on transcript NM_001927.4 (MANE Select); coding-DNA position 1354, G replaced by A.
Protein change: p.Glu452Lys; replaces glutamic acid 452 with lysine.
Molecular consequence: missense variant.
Genome position (GRCh38, 1-based): chr2:219,425,728, G>A. VCF-style: chr2-219425728-G-A. GRCh37 (hg19) VCF-style: chr2-220290450-G-A.
Other names: c.1351G>A, p.Glu451Lys (NM_001382708.1); c.922G>A, p.Glu308Lys (NM_001382709.1); c.1285G>A, p.Glu429Lys (NM_001382710.1); c.1333G>A, p.Glu445Lys (NM_001382711.1); c.1354G>A, p.Glu452Lys (NM_001382712.1); c.1084G>A, p.Glu362Lys (NM_001382713.1); short protein forms E308K, E362K, E445K, E452K, E429K, E451K.
Identifiers: ClinVar variation 1770670 (VCV001770670.9), dbSNP rs1400200477, ClinGen allele CA350698725.

ClinVar aggregate classification (germline): Uncertain significance. Review status: criteria provided, multiple submitters, no conflicts (2 of 4 stars). 3 submissions from 3 submitters: Uncertain significance (3). Last evaluated 2025-11-10.

Conditions:
Cardiovascular phenotype. Identifiers: MedGen CN230736.
Desmin-related myofibrillar myopathy (MFM1). Also called: Desminopathy; Desmin related myopathy (former name); Desmin storage myopathy (former name); MYOFIBRILLAR MYOPATHY WITH ARRHYTHMOGENIC RIGHT VENTRICULAR CARDIOMYOPATHY; DESMIN-RELATED MYOPATHY WITH ARRHYTHMOGENIC RIGHT VENTRICULAR CARDIOMYOPATHY; Myofibrillar myopathy 1. Identifiers: Orphanet 363543, Orphanet 98909, MedGen C1832370, MONDO:0011076, OMIM 601419.

Allele frequency attached by ClinVar (database versions not stated): gnomAD exomes below 0.00001; TOPMed below 0.00001; gnomAD 0.00001.
gnomAD v4.1: 4 of 1,603,554 alleles (0.00025%); highest among the groups gnomAD compares: East Asian, 0.0022%; no homozygotes.

Submissions (3):

Ambry Genetics
Classification: Uncertain significance for Cardiovascular phenotype. Last evaluated: 2025-11-10. Review status: criteria provided, single submitter. Criteria: Ambry Variant Classification Scheme 2023. Collection method: clinical testing. Allele origin: germline.
Comment: The p.E452K variant (also known as c.1354G>A), located in coding exon 8 of the DES gene, results from a G to A substitution at nucleotide position 1354. The glutamic acid at codon 452 is replaced by lysine, an amino acid with similar properties. This amino acid position is highly conserved in available vertebrate species. In addition, this alteration is predicted to be deleterious by in silico analysis. Since supporting evidence is limited at this time, the clinical significance of this alteration remains unclear.

Labcorp Genetics (formerly Invitae), Labcorp
Classification: Uncertain significance for Desmin-related myofibrillar myopathy. Last evaluated: 2025-08-06. Review status: criteria provided, single submitter. Criteria: Invitae Variant Classification Sherloc (09022015). Collection method: clinical testing. Allele origin: germline.
Comment: This sequence change replaces glutamic acid, which is acidic and polar, with lysine, which is basic and polar, at codon 452 of the DES protein (p.Glu452Lys). This variant is present in population databases (no rsID available, gnomAD 0.01%). This variant has not been reported in the literature in individuals affected with DES-related conditions. ClinVar contains an entry for this variant (Variation ID: 1770670). Invitae Evidence Modeling of protein sequence and biophysical properties (such as structural, functional, and spatial information, amino acid conservation, physicochemical variation, residue mobility, and thermodynamic stability) has been performed for this missense variant. However, the output from this modeling did not meet the statistical confidence thresholds required to predict the impact of this variant on DES protein function. In summary, the available evidence is currently insufficient to determine the role of this variant in disease. Therefore, it has been classified as a Variant of Uncertain Significance.

Revvity Omics, Revvity
Classification: Uncertain significance. Last evaluated: 2022-06-15. Review status: criteria provided, single submitter. Criteria: ACMG Guidelines, 2015. Collection method: clinical testing. Allele origin: germline.